The following is an entry in ClinVar:

NM_001370259.2(MEN1):c.263C>G (p.Ala88Gly)

Gene: MEN1 (menin 1; minus strand). Cytogenetic location: 11q13.1.
Variant type: single nucleotide variant.
Coding change: c.263C>G on transcript NM_001370259.2 (MANE Select); coding-DNA position 263, C replaced by G.
Protein change: p.Ala88Gly; replaces alanine 88 with glycine.
Molecular consequence: missense variant.
Genome position (GRCh38, 1-based): chr11:64,809,847, G>C on the plus strand (C>G on the coding strand, the complement: MEN1 is on the minus strand). VCF-style: chr11-64809847-G-C. GRCh37 (hg19) VCF-style: chr11-64577319-G-C.
Other names: c.263C>G, p.Ala88Gly (NM_000244.4, NM_001370251.2, NM_001370260.2 and 20 more transcripts); short protein forms A88G.
Identifiers: ClinVar variation 2011829 (VCV002011829.4), dbSNP rs2136187287, ClinGen allele CA381187530.

ClinVar aggregate classification (germline): Uncertain significance (1 of 4 stars; one submission).

Conditions:
Multiple endocrine neoplasia, type 1 (MEN1). Also called: Endocrine adenomatosis multiple; MEN 1; MEA I; MEN I; WERMER SYNDROME. Identifiers: Orphanet 652, MedGen C0025267, MeSH D018761, MONDO:0007540, OMIM 131100.

Submission:

Labcorp Genetics (formerly Invitae), Labcorp
Classification: Uncertain significance for Multiple endocrine neoplasia, type 1. Last evaluated: 2022-06-28. Review status: criteria provided, single submitter. Criteria: Invitae Variant Classification Sherloc (09022015). Collection method: clinical testing. Allele origin: germline.
Comment: In summary, the available evidence is currently insufficient to determine the role of this variant in disease. Therefore, it has been classified as a Variant of Uncertain Significance. Algorithms developed to predict the effect of missense changes on protein structure and function (SIFT, PolyPhen-2, Align-GVGD) all suggest that this variant is likely to be tolerated. This variant has not been reported in the literature in individuals affected with MEN1-related conditions. This variant is not present in population databases (gnomAD no frequency). This sequence change replaces alanine, which is neutral and non-polar, with glycine, which is neutral and non-polar, at codon 88 of the MEN1 protein (p.Ala88Gly).